The following is an entry in ClinVar:

NM_172240.3(POC1B):c.583A>G (p.Asn195Asp)

Genes: POC1B (POC1 centriolar protein B; minus strand), POC1B-DUSP6 (POC1B-DUSP6 readthrough; minus strand). Cytogenetic location: 12q21.33.
Variant type: single nucleotide variant.
Coding change: c.583A>G on transcript NM_172240.3 (MANE Select); coding-DNA position 583, A replaced by G.
Protein change: p.Asn195Asp; replaces asparagine 195 with aspartic acid.
Molecular consequence: missense variant. On other transcripts: non-coding transcript variant (2).
Genome position (GRCh38, 1-based): chr12:89,471,707, T>C on the plus strand (A>G on the coding strand, the complement: POC1B is on the minus strand). VCF-style: chr12-89471707-T-C. GRCh37 (hg19) VCF-style: chr12-89865484-T-C.
Other names: c.457A>G, p.Asn153Asp (NM_001199777.2); short protein forms N153D, N195D.
Identifiers: ClinVar variation 839884 (VCV000839884.10), dbSNP rs1882904502, ClinGen allele CA385997688.
Genomic context (GRCh38, chr12:89,471,707, plus strand): 5'-CATCCCAGACTTTCACAGTTTGATCAGAACCTGCTGAAGCTATGCATGTACCACTAGGGT[T>C]AAAGTCCACAAAATTTGCAAATCTAGGAGGAAAGAATAAGATGACCTAATATTTCAATTT-3'
Protein context (NP_758440.1, residues 185-205): SVGFANFVDF[Asn195Asp]PSGTCIASAG

ClinVar aggregate classification (germline): Uncertain significance (1 of 4 stars; one submission).

Allele frequency attached by ClinVar (database versions not stated): gnomAD 0.00001; gnomAD exomes 0.00001; TOPMed 0.00001.
gnomAD v4.1: 13 of 1,593,398 alleles (0.00082%); highest among the groups gnomAD compares: African/African-American, 0.0014%; no homozygotes.

Submission:

Labcorp Genetics (formerly Invitae), Labcorp
Classification: Uncertain significance. Last evaluated: 2019-12-31. Review status: criteria provided, single submitter. Criteria: Invitae Variant Classification Sherloc (09022015). Collection method: clinical testing. Allele origin: germline.
Comment: In summary, the available evidence is currently insufficient to determine the role of this variant in disease. Therefore, it has been classified as a Variant of Uncertain Significance. Algorithms developed to predict the effect of missense changes on protein structure and function are either unavailable or do not agree on the potential impact of this missense change (SIFT: "Tolerated"; PolyPhen-2: "Possibly Damaging"; Align-GVGD: "Class C0"). This variant has not been reported in the literature in individuals with POC1B-related conditions. This variant is not present in population databases (ExAC no frequency). This sequence change replaces asparagine with aspartic acid at codon 195 of the POC1B protein (p.Asn195Asp). The asparagine residue is moderately conserved and there is a small physicochemical difference between asparagine and aspartic acid.